The following is an entry in ClinVar:

NM_000282.4(PCCA):c.1265A>G (p.Glu422Gly)

Gene: PCCA (propionyl-CoA carboxylase subunit alpha; plus strand). Cytogenetic location: 13q32.3.
Variant type: single nucleotide variant.
Coding change: c.1265A>G on transcript NM_000282.4 (MANE Select); coding-DNA position 1265, A replaced by G.
Protein change: p.Glu422Gly; replaces glutamic acid 422 with glycine.
Molecular consequence: missense variant. On other transcripts: non-coding transcript variant (5).
Genome position (GRCh38, 1-based): chr13:100,302,979, A>G. VCF-style: chr13-100302979-A-G. GRCh37 (hg19) VCF-style: chr13-100955233-A-G.
Other names: c.1187A>G, p.Glu396Gly (NM_001127692.3, NM_001352607.2); c.1265A>G, p.Glu422Gly (NM_001178004.2, NM_001352605.2, NM_001352609.2); c.1121A>G, p.Glu374Gly (NM_001352606.2); c.1043A>G, p.Glu348Gly (NM_001352608.2); c.320A>G, p.Glu107Gly (NM_001352610.2, NM_001352611.2); c.176A>G, p.Glu59Gly (NM_001352612.2); c.1265A>G (NM_000282.3); short protein forms E374G, E348G, E396G, E59G, E107G, E422G.
Identifiers: ClinVar variation 2139971 (VCV002139971.2), dbSNP rs778025681, ClinGen allele CA255987511.

ClinVar aggregate classification (germline): Uncertain significance. Review status: criteria provided, multiple submitters, no conflicts (2 of 4 stars). 2 submissions from 2 submitters: Uncertain significance (2). Last evaluated 2025-05-26.

Conditions:
Propionic acidemia (PROP). Also called: HYPERGLYCINEMIA WITH KETOACIDOSIS AND LEUKOPENIA; KETOTIC HYPERGLYCINEMIA; GLYCINEMIA, KETOTIC. Identifiers: Orphanet 35, MedGen C0268579, MONDO:0011628, OMIM 606054, HP:0003571.
Inborn genetic diseases. Identifiers: MedGen C0950123, MeSH D030342.

Allele frequency attached by ClinVar (database versions not stated): gnomAD exomes 0.00001.
gnomAD v4.1: 10 of 1,597,914 alleles (0.00063%); highest among the groups gnomAD compares: Non-Finnish European, 0.00051%; no homozygotes.

Submissions (2):

Ambry Genetics
Classification: Uncertain significance for Inborn genetic diseases. Last evaluated: 2025-05-26. Review status: criteria provided, single submitter. Criteria: Ambry Variant Classification Scheme 2023. Collection method: clinical testing. Allele origin: germline.

Labcorp Genetics (formerly Invitae), Labcorp
Classification: Uncertain significance for Propionic acidemia. Last evaluated: 2022-06-25. Review status: criteria provided, single submitter. Criteria: Invitae Variant Classification Sherloc (09022015). Collection method: clinical testing. Allele origin: germline.
Comment: This sequence change replaces glutamic acid, which is acidic and polar, with glycine, which is neutral and non-polar, at codon 422 of the PCCA protein (p.Glu422Gly). This variant is present in population databases (rs778025681, gnomAD 0.008%). This variant has not been reported in the literature in individuals affected with PCCA-related conditions. Advanced modeling of protein sequence and biophysical properties (such as structural, functional, and spatial information, amino acid conservation, physicochemical variation, residue mobility, and thermodynamic stability) performed at Invitae indicates that this missense variant is expected to disrupt PCCA protein function. In summary, the available evidence is currently insufficient to determine the role of this variant in disease. Therefore, it has been classified as a Variant of Uncertain Significance.